The following is an entry in ClinVar:

ClinVar aggregate classification (germline): Uncertain significance (1 of 4 stars; one submission).

Conditions:
RFT1-congenital disorder of glycosylation (CDG1N). Also called: Congenital disorder of glycosylation type In; RFT1-CDG; CDG In. Identifiers: Orphanet 244310, MedGen C2677590, MONDO:0012783, OMIM 612015.

Submission:

Labcorp Genetics (formerly Invitae), Labcorp
Classification: Uncertain significance for RFT1-congenital disorder of glycosylation. Last evaluated: 2021-07-01. Review status: criteria provided, single submitter. Criteria: Invitae Variant Classification Sherloc (09022015). Collection method: clinical testing. Allele origin: germline.
Comment: This sequence change replaces proline with leucine at codon 208 of the RFT1 protein (p.Pro208Leu). The proline residue is moderately conserved and there is a moderate physicochemical difference between proline and leucine. This variant is not present in population databases (ExAC no frequency). This variant has not been reported in the literature in individuals affected with RFT1-related conditions. Algorithms developed to predict the effect of missense changes on protein structure and function (SIFT, PolyPhen-2, Align-GVGD) all suggest that this variant is likely to be tolerated. In summary, the available evidence is currently insufficient to determine the role of this variant in disease. Therefore, it has been classified as a Variant of Uncertain Significance.

NM_052859.4(RFT1):c.623C>T (p.Pro208Leu)

Gene: RFT1 (RFT1 glycolipid translocator homolog; minus strand). Cytogenetic location: 3p21.1.
Variant type: single nucleotide variant.
Coding change: c.623C>T on transcript NM_052859.4 (MANE Select); coding-DNA position 623, C replaced by T.
Protein change: p.Pro208Leu; replaces proline 208 with leucine.
Molecular consequence: missense variant.
Genome position (GRCh38, 1-based): chr3:53,119,957, G>A on the plus strand (C>T on the coding strand, the complement: RFT1 is on the minus strand). VCF-style: chr3-53119957-G-A. GRCh37 (hg19) VCF-style: chr3-53153973-G-A.
Other names: short protein forms P208L.
Identifiers: ClinVar variation 1482728 (VCV001482728.8), dbSNP rs2107157423, ClinGen allele CA353220458.